The following is an entry in ClinVar:

NM_145046.5(CALR3):c.488G>A (p.Cys163Tyr)

Gene: CALR3 (calreticulin 3; minus strand). Cytogenetic location: 19p13.11.
Variant type: single nucleotide variant.
Coding change: c.488G>A on transcript NM_145046.5 (MANE Select); coding-DNA position 488, G replaced by A.
Protein change: p.Cys163Tyr; replaces cysteine 163 with tyrosine.
Molecular consequence: missense variant.
Genome position (GRCh38, 1-based): chr19:16,485,167, C>T on the plus strand (G>A on the coding strand, the complement: CALR3 is on the minus strand). VCF-style: chr19-16485167-C-T. GRCh37 (hg19) VCF-style: chr19-16595978-C-T.
Other names: short protein forms C163Y.
Identifiers: ClinVar variation 652426 (VCV000652426.7), dbSNP rs778791995, ClinGen allele CA9278403.

ClinVar aggregate classification (germline): Uncertain significance (1 of 4 stars; one submission).

Conditions:
Hypertrophic cardiomyopathy 19. Also called: Familial hypertrophic cardiomyopathy 19. Identifiers: MedGen CN077603, MONDO:0013476.

Allele frequency attached by ClinVar (database versions not stated): gnomAD exomes below 0.00001 and 0.00001; TOPMed below 0.00001; ExAC 0.00001.

Submission:

Labcorp Genetics (formerly Invitae), Labcorp
Classification: Uncertain significance for Hypertrophic cardiomyopathy 19. Last evaluated: 2025-12-02. Review status: criteria provided, single submitter. Criteria: Invitae Variant Classification Sherloc (09022015). Collection method: clinical testing. Allele origin: germline.
Comment: This sequence change replaces cysteine, which is neutral and slightly polar, with tyrosine, which is neutral and polar, at codon 163 of the CALR3 protein (p.Cys163Tyr). This variant is present in population databases (rs778791995, gnomAD 0.009%). This variant has not been reported in the literature in individuals affected with CALR3-related conditions. ClinVar contains an entry for this variant (Variation ID: 652426). Invitae Evidence Modeling of protein sequence and biophysical properties (such as structural, functional, and spatial information, amino acid conservation, physicochemical variation, residue mobility, and thermodynamic stability) indicates that this missense variant is not expected to disrupt CALR3 protein function with a negative predictive value of 80%. Algorithms developed to predict the effect of sequence changes on RNA splicing suggest that this variant may create or strengthen a splice site. In summary, the available evidence is currently insufficient to determine the role of this variant in disease. Therefore, it has been classified as a Variant of Uncertain Significance.